The following is an entry in ClinVar:

ClinVar aggregate classification (germline): Uncertain significance (1 of 4 stars; one submission).

Conditions:
Dyskeratosis congenita, autosomal dominant 2. Identifiers: MedGen C3151443, MONDO:0013521, OMIM 613989.
Idiopathic Pulmonary Fibrosis. Also called: Idiopathic fibrosing alveolitis, chronic form; idiopathic fibrosing alveolitis. Identifiers: Orphanet 2032, MedGen C1800706, MeSH D054990, MONDO:0800504.

Submission:

Labcorp Genetics (formerly Invitae), Labcorp
Classification: Uncertain significance for Dyskeratosis congenita, autosomal dominant 2; Idiopathic Pulmonary Fibrosis. Last evaluated: 2023-04-06. Review status: criteria provided, single submitter. Criteria: Invitae Variant Classification Sherloc (09022015). Collection method: clinical testing. Allele origin: germline.
Comment: In summary, the available evidence is currently insufficient to determine the role of this variant in disease. Therefore, it has been classified as a Variant of Uncertain Significance. This sequence change replaces serine, which is neutral and polar, with arginine, which is basic and polar, at codon 134 of the TERT protein (p.Ser134Arg). This variant is not present in population databases (gnomAD no frequency). This variant has not been reported in the literature in individuals affected with TERT-related conditions. Advanced modeling of protein sequence and biophysical properties (such as structural, functional, and spatial information, amino acid conservation, physicochemical variation, residue mobility, and thermodynamic stability) performed at Invitae indicates that this missense variant is expected to disrupt TERT protein function.

NM_198253.3(TERT):c.402C>A (p.Ser134Arg)

Gene: TERT (telomerase reverse transcriptase; minus strand). Cytogenetic location: 5p15.33.
Variant type: single nucleotide variant.
Coding change: c.402C>A on transcript NM_198253.3 (MANE Select); coding-DNA position 402, C replaced by A.
Protein change: p.Ser134Arg; replaces serine 134 with arginine.
Molecular consequence: missense variant. On other transcripts: non-coding transcript variant (2).
Genome position (GRCh38, 1-based): chr5:1,294,484, G>T on the plus strand (C>A on the coding strand, the complement: TERT is on the minus strand). VCF-style: chr5-1294484-G-T. GRCh37 (hg19) VCF-style: chr5-1294599-G-T.
Other names: c.402C>A, p.Ser134Arg (NM_001193376.3, NM_003219.1); short protein forms S134R.
Identifiers: ClinVar variation 2946178 (VCV002946178.3), dbSNP rs1346841144, ClinGen allele CA359058104.